The following is an entry in ClinVar:

NM_174934.4(SCN4B):c.460A>G (p.Arg154Gly)

Genes: SCN4B (sodium voltage-gated channel beta subunit 4; minus strand), LOC126861356 (BRD4-independent group 4 enhancer GRCh37_chr11:118014519-118015718; plus strand). Cytogenetic location: 11q23.3.
Variant type: single nucleotide variant.
Coding change: c.460A>G on transcript NM_174934.4 (MANE Select); coding-DNA position 460, A replaced by G.
Protein change: p.Arg154Gly; replaces arginine 154 with glycine.
Molecular consequence: missense variant. On other transcripts: intron variant (1).
Genome position (GRCh38, 1-based): chr11:118,143,836, T>C on the plus strand (A>G on the coding strand, the complement: SCN4B is on the minus strand). VCF-style: chr11-118143836-T-C. GRCh37 (hg19) VCF-style: chr11-118014551-T-C.
Other names: c.130A>G, p.Arg44Gly (NM_001142349.2); c.62-2500A>G (NM_001142348.2); short protein forms R154G, R44G.
Identifiers: ClinVar variation 4713099 (VCV004713099.1).

ClinVar aggregate classification (germline): Uncertain significance (1 of 4 stars; one submission).

Conditions:
Long QT syndrome 10 (LQT10). Identifiers: Orphanet 101016, Orphanet 768, MedGen C2678484, MONDO:0012737, OMIM 611819.

gnomAD v4.1: 1 of 1,611,474 alleles (0.000062%); highest among the groups gnomAD compares: East Asian, 0.0022%; no homozygotes.

Submission:

Labcorp Genetics (formerly Invitae), Labcorp
Classification: Uncertain significance for Long QT syndrome 10. Last evaluated: 2025-02-19. Review status: criteria provided, single submitter. Criteria: Invitae Variant Classification Sherloc (09022015). Collection method: clinical testing. Allele origin: germline.
Comment: This sequence change replaces arginine, which is basic and polar, with glycine, which is neutral and non-polar, at codon 154 of the SCN4B protein (p.Arg154Gly). This variant is present in population databases (rs554764326, gnomAD 0.007%). This variant has not been reported in the literature in individuals affected with SCN4B-related conditions. An algorithm developed to predict the effect of missense changes on protein structure and function (PolyPhen-2) suggests that this variant is likely to be tolerated. In summary, the available evidence is currently insufficient to determine the role of this variant in disease. Therefore, it has been classified as a Variant of Uncertain Significance.